The following is an entry in ClinVar:

ClinVar aggregate classification (germline): Conflicting classifications of pathogenicity. Review status: criteria provided, conflicting classifications (1 of 4 stars). 4 submissions from 4 submitters: Likely pathogenic (2); Uncertain significance (2). Last evaluated 2024-09-27.

Conditions:
Wilson disease (WND). Also called: Wilson's disease. Identifiers: Orphanet 905, MedGen C0019202, MONDO:0010200, OMIM 277900. Disease mechanism: loss of function.

Submissions (4):

All of Us Research Program, National Institutes of Health
Classification: Likely pathogenic for Wilson disease. Last evaluated: 2024-09-27. Review status: criteria provided, single submitter. Criteria: ACMG Guidelines, 2015. Collection method: clinical testing. Allele origin: germline. Inheritance: Autosomal recessive inheritance. Observed: 2 variant alleles, 2 heterozygotes.
Comment: This missense variant replaces proline with leucine at codon 690 of the ATP7B protein. Computational prediction suggests that this variant may have deleterious impact on protein structure and function (internally defined REVEL score threshold >= 0.7, PMID: 27666373). To our knowledge, functional studies have not been reported for this variant. This variant has been observed in the compound heterozygous state and homozygous state in individuals affected with autosomal recessive Wilson disease (PMID: 15952988), indicating that this variant contributes to disease. This variant has not been identified in the general population by the Genome Aggregation Database (gnomAD). Based on the available evidence, this variant is classified as Likely Pathogenic.

This study involves interpretation of variants in research participants for the purpose of population health screening. Participant phenotype was not available at the time of variant classification. Additional details can be found in publication PMID: 35346344, PMCID: PMC8962531

Baylor Genetics
Classification: Likely pathogenic for Wilson disease. Last evaluated: 2024-03-05. Review status: criteria provided, single submitter. Criteria: ACMG Guidelines, 2015. Collection method: clinical testing. Allele origin: unknown.

Women's Health and Genetics/Laboratory Corporation of America, LabCorp
Classification: Uncertain significance. Last evaluated: 2022-11-17. Review status: criteria provided, single submitter. Criteria: LabCorp Variant Classification Summary - May 2015. Collection method: clinical testing. Allele origin: germline.
Comment: Variant summary: ATP7B c.2069C>T (p.Pro690Leu) results in a non-conservative amino acid change in the encoded protein sequence. Four of five in-silico tools predict a damaging effect of the variant on protein function. The variant was absent in 249216 control chromosomes. c.2069C>T has been reported in the literature in individuals affected with Wilson Disease in the homozygous and compound heterozygous state (Margarit_2005). These data indicate that the variant may be associated with disease. To our knowledge, no experimental evidence demonstrating an impact on protein function has been reported. Two clinical diagnostic laboratories have submitted clinical-significance assessments for this variant to ClinVar after 2014 without evidence for independent evaluation. All laboratories classified the variant as uncertain significance. Based on the evidence outlined above, the variant was classified as VUS-possibly pathogenic.

Myriad Genetics, Inc.
Classification: Uncertain significance for Wilson disease. Last evaluated: 2021-11-16. Review status: criteria provided, single submitter. Criteria: Myriad Women's Health Autosomal Recessive and X-Linked Classification Criteria (2021). Collection method: clinical testing. Allele origin: unknown.
Comment: NM_000053.3(ATP7B):c.2069C>T(P690L) is a missense variant classified as a variant of uncertain significance in the context of Wilson disease. P690L has been observed in cases with relevant disease (PMID: 15952988). Functional assessments of this variant are not available in the literature. P690L has not been observed in population frequency databases. In summary, there is insufficient evidence to classify NM_000053.3(ATP7B):c.2069C>T(P690L) as pathogenic or benign. Please note: this variant was assessed in the context of healthy population screening.

Literature cited by the submitters: PubMed 15952988 (cited by 3 submitters).

NM_000053.4(ATP7B):c.2069C>T (p.Pro690Leu)

Gene: ATP7B (ATPase copper transporting beta; minus strand). Cytogenetic location: 13q14.3.
Variant type: single nucleotide variant.
Coding change: c.2069C>T on transcript NM_000053.4 (MANE Select); coding-DNA position 2069, C replaced by T.
Protein change: p.Pro690Leu; replaces proline 690 with leucine.
Molecular consequence: missense variant. On other transcripts: intron variant (2).
Genome position (GRCh38, 1-based): chr13:51,960,200, G>A on the plus strand (C>T on the coding strand, the complement: ATP7B is on the minus strand). VCF-style: chr13-51960200-G-A. GRCh37 (hg19) VCF-style: chr13-52534336-G-A.
Other names: c.1736C>T, p.Pro579Leu (NM_001243182.2); c.2069C>T, p.Pro690Leu (NM_001330578.2); c.1870-2593C>T (NM_001005918.3); c.1870-1656C>T (NM_001330579.2); short protein forms P690L, P579L.
Identifiers: ClinVar variation 556042 (VCV000556042.8), dbSNP rs1555291809, ClinGen allele CA388024711.